The following is an entry in ClinVar:

ClinVar aggregate classification (germline): Uncertain significance (1 of 4 stars; one submission).

Conditions:
Frontotemporal dementia and/or amyotrophic lateral sclerosis 1 (FTDALS1). Also called: Frontotemporal dementia with motor neuron disease 1; C9orf72 Frontotemporal Dementia and/or Amyotrophic Lateral Sclerosis. Identifiers: Orphanet 275872, MedGen C5779877, MONDO:0007105, OMIM 105550.
Paget disease of bone 2, early-onset (PDB2). Also called: Paget disease of bone 2. Identifiers: MedGen C4085251, MONDO:0011183, OMIM 602080.

Submission:

Labcorp Genetics (formerly Invitae), Labcorp
Classification: Uncertain significance for Paget disease of bone 2, early-onset; Frontotemporal dementia and/or amyotrophic lateral sclerosis 1. Last evaluated: 2023-12-15. Review status: criteria provided, single submitter. Criteria: Invitae Variant Classification Sherloc (09022015). Collection method: clinical testing. Allele origin: germline.
Comment: This sequence change replaces aspartic acid, which is acidic and polar, with alanine, which is neutral and non-polar, at codon 256 of the SQSTM1 protein (p.Asp256Ala). This variant is not present in population databases (gnomAD no frequency). This variant has not been reported in the literature in individuals affected with SQSTM1-related conditions. ClinVar contains an entry for this variant (Variation ID: 1415819). Advanced modeling of protein sequence and biophysical properties (such as structural, functional, and spatial information, amino acid conservation, physicochemical variation, residue mobility, and thermodynamic stability) performed at Invitae indicates that this missense variant is not expected to disrupt SQSTM1 protein function with a negative predictive value of 80%. In summary, the available evidence is currently insufficient to determine the role of this variant in disease. Therefore, it has been classified as a Variant of Uncertain Significance.

NM_003900.5(SQSTM1):c.767A>C (p.Asp256Ala)

Gene: SQSTM1 (sequestosome 1; plus strand). Cytogenetic location: 5q35.3.
Variant type: single nucleotide variant.
Coding change: c.767A>C on transcript NM_003900.5 (MANE Select); coding-DNA position 767, A replaced by C.
Protein change: p.Asp256Ala; replaces aspartic acid 256 with alanine.
Molecular consequence: missense variant.
Genome position (GRCh38, 1-based): chr5:179,833,044, A>C. VCF-style: chr5-179833044-A-C. GRCh37 (hg19) VCF-style: chr5-179260044-A-C.
Other names: c.515A>C, p.Asp172Ala (NM_001142298.2, NM_001142299.2); short protein forms D172A, D256A.
Identifiers: ClinVar variation 1415819 (VCV001415819.6), dbSNP rs988411948, ClinGen allele CA362450798.